The following is an entry in ClinVar:

ClinVar aggregate classification (germline): Pathogenic (1 of 4 stars; one submission).

Allele frequency attached by ClinVar (database versions not stated): ExAC 0.00001; TOPMed 0.00003; gnomAD 0.00007.
gnomAD v4.1: 36 of 1,604,890 alleles (0.0022%); highest among the groups gnomAD compares: Admixed American, 0.015%; no homozygotes.

Submission:

Labcorp Genetics (formerly Invitae), Labcorp
Classification: Pathogenic. Last evaluated: 2025-09-29. Review status: criteria provided, single submitter. Criteria: Invitae Variant Classification Sherloc (09022015). Collection method: clinical testing. Allele origin: germline.
Comment: This sequence change creates a premature translational stop signal (p.Gln138*) in the SCLT1 gene. It is expected to result in an absent or disrupted protein product. Loss-of-function variants in SCLT1 are known to be pathogenic (PMID: 28005958). This variant is present in population databases (rs757334247, gnomAD 0.003%). This variant has not been reported in the literature in individuals affected with SCLT1-related conditions. ClinVar contains an entry for this variant (Variation ID: 1453033). Algorithms developed to predict the effect of sequence changes on RNA splicing suggest that this variant may disrupt the consensus splice site. For these reasons, this variant has been classified as Pathogenic.

Literature cited by the submitters: PubMed 28005958.

NM_144643.4(SCLT1):c.412C>T (p.Gln138Ter)

Gene: SCLT1 (sodium channel and clathrin linker 1; minus strand). Cytogenetic location: 4q28.2.
Variant type: single nucleotide variant.
Coding change: c.412C>T on transcript NM_144643.4 (MANE Select); coding-DNA position 412, C replaced by T.
Protein change: p.Gln138Ter; replaces glutamine 138 with a stop codon.
Molecular consequence: nonsense.
Genome position (GRCh38, 1-based): chr4:129,003,755, G>A on the plus strand (C>T on the coding strand, the complement: SCLT1 is on the minus strand). VCF-style: chr4-129003755-G-A. GRCh37 (hg19) VCF-style: chr4-129924910-G-A.
Other names: short protein forms Q138*.
Identifiers: ClinVar variation 1453033 (VCV001453033.6), dbSNP rs757334247, ClinGen allele CA3079966.